The following is an entry in ClinVar:

NM_024422.6(DSC2):c.2231C>T (p.Ala744Val)

Gene: DSC2 (desmocollin 2; minus strand). Cytogenetic location: 18q12.1.
Variant type: single nucleotide variant.
Coding change: c.2231C>T on transcript NM_024422.6 (MANE Select); coding-DNA position 2231, C replaced by T.
Protein change: p.Ala744Val; replaces alanine 744 with valine.
Molecular consequence: missense variant.
Genome position (GRCh38, 1-based): chr18:31,070,745, G>A on the plus strand (C>T on the coding strand, the complement: DSC2 is on the minus strand). VCF-style: chr18-31070745-G-A. GRCh37 (hg19) VCF-style: chr18-28650711-G-A.
Other names: c.2231C>T, p.Ala744Val (NM_004949.5); short protein forms A744V.
Identifiers: ClinVar variation 925539 (VCV000925539.16), dbSNP rs758269321, ClinGen allele CA035502.

ClinVar aggregate classification (germline): Uncertain significance. Review status: criteria provided, multiple submitters, no conflicts (2 of 4 stars). 5 submissions from 5 submitters: Uncertain significance (5). Last evaluated 2024-08-06.

Conditions:
Cardiovascular phenotype. Identifiers: MedGen CN230736.
Cardiomyopathy (CMYO). Also called: Cardiomyopathies. Identifiers: Orphanet 167848, MedGen C0878544, MONDO:0004994, HP:0001638. Inheritance: Various modes of inheritance.
Familial isolated arrhythmogenic right ventricular dysplasia. Identifiers: Orphanet 217656, MedGen C4274968, MONDO:0016342.
Arrhythmogenic right ventricular dysplasia 11. Also called: ARRHYTHMOGENIC RIGHT VENTRICULAR DYSPLASIA, FAMILIAL, 11; Arrhythmogenic Right Ventricular Dysplasia/Cardiomyopathy11; Arrhythmogenic right ventricular dysplasia 11 with mild palmoplantar keratoderma and woolly hair. Identifiers: MedGen C1864850, MONDO:0012506, OMIM 610476.

Allele frequency attached by ClinVar (database versions not stated): gnomAD exomes 0.00001; ExAC 0.00001.
gnomAD v4.1: 11 of 1,613,864 alleles (0.00068%); highest among the groups gnomAD compares: Non-Finnish European, 0.00085%; no homozygotes.

Submissions (5):

All of Us Research Program, National Institutes of Health
Classification: Uncertain significance for Familial isolated arrhythmogenic right ventricular dysplasia. Last evaluated: 2024-08-06. Review status: criteria provided, single submitter. Criteria: ACMG Guidelines, 2015. Collection method: clinical testing. Allele origin: germline. Inheritance: Autosomal dominant inheritance. Observed: 5 variant alleles, 5 heterozygotes.
Comment: This missense variant replaces alanine with valine at codon 744 of the DSC2 protein. Computational prediction suggests that this variant may not impact protein structure and function (internally defined REVEL score threshold <= 0.5, PMID: 27666373). To our knowledge, functional studies have not been reported for this variant. This variant has not been reported in individuals affected with cardiovascular disorders in the literature. This variant has been identified in 2/251298 chromosomes in the general population by the Genome Aggregation Database (gnomAD). The available evidence is insufficient to determine the role of this variant in disease conclusively. Therefore, this variant is classified as a Variant of Uncertain Significance.

This study involves interpretation of variants in research participants for the purpose of population health screening. Participant phenotype was not available at the time of variant classification. Additional details can be found in publication PMID: 35346344, PMCID: PMC8962531

Color Diagnostics, LLC DBA Color Health
Classification: Uncertain significance for Cardiomyopathy. Last evaluated: 2024-03-06. Review status: criteria provided, single submitter. Criteria: ACMG Guidelines, 2015. Collection method: clinical testing. Allele origin: germline.
Comment: This missense variant replaces alanine with valine at codon 744 of the DSC2 protein. Computational prediction suggests that this variant may not impact protein structure and function (internally defined REVEL score threshold <= 0.5, PMID: 27666373). To our knowledge, functional studies have not been reported for this variant. This variant has not been reported in individuals affected with cardiovascular disorders in the literature. This variant has been identified in 2/251298 chromosomes in the general population by the Genome Aggregation Database (gnomAD). The available evidence is insufficient to determine the role of this variant in disease conclusively. Therefore, this variant is classified as a Variant of Uncertain Significance.

Labcorp Genetics (formerly Invitae), Labcorp
Classification: Uncertain significance for Arrhythmogenic right ventricular dysplasia 11. Last evaluated: 2023-11-06. Review status: criteria provided, single submitter. Criteria: Invitae Variant Classification Sherloc (09022015). Collection method: clinical testing. Allele origin: germline.
Comment: This sequence change replaces alanine, which is neutral and non-polar, with valine, which is neutral and non-polar, at codon 744 of the DSC2 protein (p.Ala744Val). This variant is present in population databases (rs758269321, gnomAD 0.002%). This variant has not been reported in the literature in individuals affected with DSC2-related conditions. ClinVar contains an entry for this variant (Variation ID: 925539). Advanced modeling of protein sequence and biophysical properties (such as structural, functional, and spatial information, amino acid conservation, physicochemical variation, residue mobility, and thermodynamic stability) performed at Invitae indicates that this missense variant is expected to disrupt DSC2 protein function with a positive predictive value of 80%. In summary, the available evidence is currently insufficient to determine the role of this variant in disease. Therefore, it has been classified as a Variant of Uncertain Significance.

GeneDx
Classification: Uncertain significance. Last evaluated: 2023-07-26. Review status: criteria provided, single submitter. Criteria: GeneDx Variant Classification Process June 2021. Collection method: clinical testing. Allele origin: germline. Affected: yes.
Comment: Not observed at significant frequency in large population cohorts (gnomAD); In silico analysis supports that this missense variant has a deleterious effect on protein structure/function; Has not been previously published as pathogenic or benign to our knowledge

Ambry Genetics
Classification: Uncertain significance for Cardiovascular phenotype. Last evaluated: 2023-03-16. Review status: criteria provided, single submitter. Criteria: Ambry Variant Classification Scheme 2023. Collection method: clinical testing. Allele origin: germline.
Comment: The p.A744V variant (also known as c.2231C>T), located in coding exon 14 of the DSC2 gene, results from a C to T substitution at nucleotide position 2231. The alanine at codon 744 is replaced by valine, an amino acid with similar properties. This amino acid position is conserved. In addition, the in silico prediction for this alteration is inconclusive. Since supporting evidence is limited at this time, the clinical significance of this alteration remains unclear.